The following is an entry in ClinVar:

NM_018063.5(HELLS):c.22G>A (p.Gly8Ser)

Gene: HELLS (helicase, lymphoid specific; plus strand). Cytogenetic location: 10q23.33.
Variant type: single nucleotide variant.
Coding change: c.22G>A on transcript NM_018063.5 (MANE Select); coding-DNA position 22, G replaced by A.
Protein change: p.Gly8Ser; replaces glycine 8 with serine.
Molecular consequence: missense variant. On other transcripts: 5 prime UTR variant (4), intron variant (1).
Genome position (GRCh38, 1-based): chr10:94,545,943, G>A. VCF-style: chr10-94545943-G-A. GRCh37 (hg19) VCF-style: chr10-96305700-G-A.
Other names: c.22G>A, p.Gly8Ser (NM_001289067.2, NM_001289069.2, NM_001289070.2 and 1 more transcripts); c.-395G>A (NM_001289071.2); c.-328G>A (NM_001289073.2); c.-981G>A (NM_001289074.2); c.-1000G>A (NM_001289075.2); c.-18+36G>A (NM_001289068.2); short protein forms G8S.
Identifiers: ClinVar variation 2764512 (VCV002764512.3), dbSNP rs2493019083, ClinGen allele CA377660774.

ClinVar aggregate classification (germline): Uncertain significance (1 of 4 stars; one submission).

Submission:

Labcorp Genetics (formerly Invitae), Labcorp
Classification: Uncertain significance. Last evaluated: 2024-04-10. Review status: criteria provided, single submitter. Criteria: Invitae Variant Classification Sherloc (09022015). Collection method: clinical testing. Allele origin: germline.
Comment: This sequence change replaces glycine, which is neutral and non-polar, with serine, which is neutral and polar, at codon 8 of the HELLS protein (p.Gly8Ser). This variant is not present in population databases (gnomAD no frequency). This variant has not been reported in the literature in individuals affected with HELLS-related conditions. Algorithms developed to predict the effect of missense changes on protein structure and function output the following: SIFT: "Not Available"; PolyPhen-2: "Benign"; Align-GVGD: "Not Available". The serine amino acid residue is found in multiple mammalian species, which suggests that this missense change does not adversely affect protein function. In summary, the available evidence is currently insufficient to determine the role of this variant in disease. Therefore, it has been classified as a Variant of Uncertain Significance.